The following is an entry in ClinVar:

NM_014484.5(MOCS3):c.467C>G (p.Pro156Arg)

Gene: MOCS3 (molybdenum cofactor synthesis 3; plus strand). Cytogenetic location: 20q13.13.
Variant type: single nucleotide variant.
Coding change: c.467C>G on transcript NM_014484.5 (MANE Select); coding-DNA position 467, C replaced by G.
Protein change: p.Pro156Arg; replaces proline 156 with arginine.
Molecular consequence: missense variant.
Genome position (GRCh38, 1-based): chr20:50,959,309, C>G. VCF-style: chr20-50959309-C-G. GRCh37 (hg19) VCF-style: chr20-49575846-C-G.
Other names: short protein forms P156R.
Identifiers: ClinVar variation 1367052 (VCV001367052.6), dbSNP rs372128666, ClinGen allele CA9909414.

ClinVar aggregate classification (germline): Uncertain significance (1 of 4 stars; one submission).

gnomAD v4.1: 2 of 1,610,704 alleles (0.00012%); highest among the groups gnomAD compares: East Asian, 0.0022%; no homozygotes.

Submission:

Labcorp Genetics (formerly Invitae), Labcorp
Classification: Uncertain significance. Last evaluated: 2024-10-16. Review status: criteria provided, single submitter. Criteria: Invitae Variant Classification Sherloc (09022015). Collection method: clinical testing. Allele origin: germline.
Comment: This sequence change replaces proline, which is neutral and non-polar, with arginine, which is basic and polar, at codon 156 of the MOCS3 protein (p.Pro156Arg). This variant is present in population databases (rs372128666, gnomAD 0.006%). This variant has not been reported in the literature in individuals affected with MOCS3-related conditions. ClinVar contains an entry for this variant (Variation ID: 1367052). An algorithm developed to predict the effect of missense changes on protein structure and function (PolyPhen-2) suggests that this variant is likely to be tolerated. In summary, the available evidence is currently insufficient to determine the role of this variant in disease. Therefore, it has been classified as a Variant of Uncertain Significance.